The following is an entry in ClinVar:

NM_145038.5(DRC1):c.562C>T (p.Gln188Ter)

Gene: DRC1 (dynein regulatory complex subunit 1; plus strand). Cytogenetic location: 2p23.3.
Variant type: single nucleotide variant.
Coding change: c.562C>T on transcript NM_145038.5 (MANE Select); coding-DNA position 562, C replaced by T.
Protein change: p.Gln188Ter; replaces glutamine 188 with a stop codon.
Molecular consequence: nonsense.
Genome position (GRCh38, 1-based): chr2:26,429,649, C>T. VCF-style: chr2-26429649-C-T. GRCh37 (hg19) VCF-style: chr2-26652517-C-T.
Other names: short protein forms Q188*.
Identifiers: ClinVar variation 3891318 (VCV003891318.1).

ClinVar aggregate classification (germline): Likely pathogenic (1 of 4 stars; one submission).

Conditions:
Spermatogenic failure 80 (SPGF80). Identifiers: MedGen C5774301, MONDO:0859364, OMIM 620222.

gnomAD v4.1: 6 of 1,613,948 alleles (0.00037%); highest among the groups gnomAD compares: Non-Finnish European, 0.00051%; no homozygotes.

Submission:

Clinical Genetics Laboratory, Skane University Hospital Lund
Classification: Likely pathogenic for Spermatogenic failure 80. Last evaluated: 2025-04-24. Review status: criteria provided, single submitter. Criteria: ACMG Guidelines, 2015. Collection method: clinical testing. Allele origin: germline. Affected: yes.
Comment: ACMG criteria used: PVS1, PM2